The following is an entry in ClinVar:

ClinVar aggregate classification (germline): Uncertain significance (1 of 4 stars; one submission).

Conditions:
Aortic aneurysm, familial thoracic 6 (AAT6). Also called: FAMILIAL THORACIC AORTIC ANEURYSM WITH LIVEDO RETICULARIS AND IRIS FLOCCULI. Identifiers: MedGen C2673186, MONDO:0012730, OMIM 611788.

Submission:

Labcorp Genetics (formerly Invitae), Labcorp
Classification: Uncertain significance for Aortic aneurysm, familial thoracic 6. Last evaluated: 2025-05-29. Review status: criteria provided, single submitter. Criteria: Invitae Variant Classification Sherloc (09022015). Collection method: clinical testing. Allele origin: germline.
Comment: This sequence change replaces glycine, which is neutral and non-polar, with serine, which is neutral and polar, at codon 304 of the ACTA2 protein (p.Gly304Ser). This variant is not present in population databases (gnomAD no frequency). This missense change has been observed in individuals with thoracic aortic aneurysms and/or dissections (PMID: 25644172; internal data). ClinVar contains an entry for this variant (Variation ID: 2735445). Invitae Evidence Modeling of protein sequence and biophysical properties (such as structural, functional, and spatial information, amino acid conservation, physicochemical variation, residue mobility, and thermodynamic stability) has been performed for this missense variant. However, the output from this modeling did not meet the statistical confidence thresholds required to predict the impact of this variant on ACTA2 protein function. This variant disrupts the p.Gly304 amino acid residue in ACTA2. Other variant(s) that disrupt this residue have been observed in individuals with ACTA2-related conditions (PMID: 21248741), which suggests that this may be a clinically significant amino acid residue. In summary, the available evidence is currently insufficient to determine the role of this variant in disease. Therefore, it has been classified as a Variant of Uncertain Significance.

Literature cited by the submitters: PubMed 25644172; PubMed 21248741.

NM_001613.4(ACTA2):c.910G>A (p.Gly304Ser)

Genes: ACTA2 (actin alpha 2, smooth muscle; minus strand), ACTA2-AS1 (ACTA2 antisense RNA 1; plus strand). Cytogenetic location: 10q23.31.
Variant type: single nucleotide variant.
Coding change: c.910G>A on transcript NM_001613.4 (MANE Select); coding-DNA position 910, G replaced by A.
Protein change: p.Gly304Ser; replaces glycine 304 with serine.
Molecular consequence: missense variant.
Genome position (GRCh38, 1-based): chr10:88,938,141, C>T on the plus strand (G>A on the coding strand, the complement: ACTA2 is on the minus strand). VCF-style: chr10-88938141-C-T. GRCh37 (hg19) VCF-style: chr10-90697898-C-T.
Other names: c.910G>A, p.Gly304Ser (NM_001141945.3, NM_001320855.2, NM_001406462.1 and 2 more transcripts); c.799G>A, p.Gly267Ser (NM_001406466.1); c.781G>A, p.Gly261Ser (NM_001406467.1, NM_001406468.1, NM_001406469.1); c.718G>A, p.Gly240Ser (NM_001406471.1); short protein forms G261S, G267S, G240S, G304S.
Identifiers: ClinVar variation 2735445 (VCV002735445.3), dbSNP rs2494519266, ClinGen allele CA377510813.